The following is an entry in ClinVar:

NC_000016.9:g.(?_21689836)_(21690552_?)del

Gene: OTOA (otoancorin). Cytogenetic location: 16p12.2.
Variant type: Deletion.
Identifiers: ClinVar variation 3243669 (VCV003243669.1).

ClinVar aggregate classification (germline): Pathogenic (1 of 4 stars; one submission).

Submission:

Labcorp Genetics (formerly Invitae), Labcorp
Classification: Pathogenic. Last evaluated: 2023-10-23. Review status: criteria provided, single submitter. Criteria: Invitae Variant Classification Sherloc (09022015). Collection method: clinical testing. Allele origin: unknown.
Comment: This variant is a gross deletion of the genomic region encompassing exon(s) 1-4 of the OTOA gene, which includes the initiator codon. This deletion extends beyond the assayed region for this gene and therefore may encompass additional genes. It is expected to result in an absent or disrupted protein product. Loss-of-function variants in OTOA are known to be pathogenic (PMID: 11972037). This variant has not been reported in the literature in individuals affected with OTOA-related conditions. For these reasons, this variant has been classified as Pathogenic.

Literature cited by the submitters: PubMed 11972037.